The following is an entry in ClinVar:

NM_000383.4(AIRE):c.1387A>T (p.Thr463Ser)

Gene: AIRE (autoimmune regulator; plus strand). Cytogenetic location: 21q22.3.
Variant type: single nucleotide variant.
Coding change: c.1387A>T on transcript NM_000383.4 (MANE Select); coding-DNA position 1387, A replaced by T.
Protein change: p.Thr463Ser; replaces threonine 463 with serine.
Molecular consequence: missense variant.
Genome position (GRCh38, 1-based): chr21:44,293,897, A>T. VCF-style: chr21-44293897-A-T. GRCh37 (hg19) VCF-style: chr21-45713780-A-T.
Other names: short protein forms T463S.
Identifiers: ClinVar variation 2188355 (VCV002188355.1), dbSNP rs766317830, ClinGen allele CA410425816.

ClinVar aggregate classification (germline): Uncertain significance (1 of 4 stars; one submission).

Conditions:
Polyglandular autoimmune syndrome, type 1 (APS1). Also called: PGA I; Autoimmune polyendocrine syndrome type 1; HYPOADRENOCORTICISM WITH HYPOPARATHYROIDISM AND SUPERFICIAL MONILIASIS; Whitaker syndrome; Autoimmune polyendocrinopathy syndrome, type I; AUTOIMMUNE POLYENDOCRINE SYNDROME, TYPE I, WITH OR WITHOUT REVERSIBLE METAPHYSEAL DYSPLASIA. Identifiers: Orphanet 3453, MedGen C0085859, MONDO:0009411, OMIM 240300.

gnomAD v4.1: 2 of 1,596,156 alleles (0.00013%); highest among the groups gnomAD compares: Non-Finnish European, 0.00017%; no homozygotes.

Submission:

Labcorp Genetics (formerly Invitae), Labcorp
Classification: Uncertain significance for Polyglandular autoimmune syndrome, type 1. Last evaluated: 2022-04-19. Review status: criteria provided, single submitter. Criteria: Invitae Variant Classification Sherloc (09022015). Collection method: clinical testing. Allele origin: germline.
Comment: This sequence change replaces threonine, which is neutral and polar, with serine, which is neutral and polar, at codon 463 of the AIRE protein (p.Thr463Ser). This variant is not present in population databases (gnomAD no frequency). This variant has not been reported in the literature in individuals affected with AIRE-related conditions. Algorithms developed to predict the effect of missense changes on protein structure and function output the following: SIFT: "Tolerated"; PolyPhen-2: "Benign"; Align-GVGD: "Class C0". The serine amino acid residue is found in multiple mammalian species, which suggests that this missense change does not adversely affect protein function. In summary, the available evidence is currently insufficient to determine the role of this variant in disease. Therefore, it has been classified as a Variant of Uncertain Significance.